The following is an entry in ClinVar:

ClinVar aggregate classification (germline): Uncertain significance. Review status: criteria provided, multiple submitters, no conflicts (2 of 4 stars). 5 submissions from 5 submitters: Uncertain significance (5). Last evaluated 2025-10-05.

Conditions:
Long QT syndrome (LQTS). Identifiers: MedGen C0023976, MeSH D008133, MONDO:0002442. Disease mechanism: loss of function. Inheritance: Various modes of inheritance.
Cardiovascular phenotype. Identifiers: MedGen CN230736.
Long QT syndrome 12 (LQT12). Identifiers: Orphanet 101016, Orphanet 768, MedGen C2751830, MONDO:0013062, OMIM 612955.

Allele frequency attached by ClinVar (database versions not stated): ExAC 0.00002; gnomAD exomes 0.00003 and 0.00004; gnomAD 0.00004; TOPMed 0.00005.
gnomAD v4.1: 65 of 1,614,088 alleles (0.004%); highest among the groups gnomAD compares: Non-Finnish European, 0.0047%; no homozygotes.

Submissions (5):

Ambry Genetics
Classification: Uncertain significance for Cardiovascular phenotype. Last evaluated: 2025-10-05. Review status: criteria provided, single submitter. Criteria: Ambry Variant Classification Scheme 2023. Collection method: clinical testing. Allele origin: germline.
Comment: The p.R394C variant (also known as c.1180C>T), located in coding exon 6 of the SNTA1 gene, results from a C to T substitution at nucleotide position 1180. The arginine at codon 394 is replaced by cysteine, an amino acid with highly dissimilar properties. This amino acid position is well conserved in available vertebrate species. In addition, the in silico prediction for this alteration is inconclusive. The evidence for this gene-disease relationship is limited; therefore, the clinical significance of this alteration is unclear.

Labcorp Genetics (formerly Invitae), Labcorp
Classification: Uncertain significance for Long QT syndrome. Last evaluated: 2025-07-29. Review status: criteria provided, single submitter. Criteria: Invitae Variant Classification Sherloc (09022015). Collection method: clinical testing. Allele origin: germline.
Comment: This sequence change replaces arginine, which is basic and polar, with cysteine, which is neutral and slightly polar, at codon 394 of the SNTA1 protein (p.Arg394Cys). This variant is present in population databases (rs567451585, gnomAD 0.006%). This variant has not been reported in the literature in individuals affected with SNTA1-related conditions. ClinVar contains an entry for this variant (Variation ID: 432866). Invitae Evidence Modeling of protein sequence and biophysical properties (such as structural, functional, and spatial information, amino acid conservation, physicochemical variation, residue mobility, and thermodynamic stability) has been performed for this missense variant. However, the output from this modeling did not meet the statistical confidence thresholds required to predict the impact of this variant on SNTA1 protein function. In summary, the available evidence is currently insufficient to determine the role of this variant in disease. Therefore, it has been classified as a Variant of Uncertain Significance.

Dept of Medical Biology, Uskudar University
Classification: Uncertain significance for Long QT syndrome. Last evaluated: 2024-01-08. Review status: criteria provided, single submitter. Criteria: Dept of Medical Biology Variant Classification. Collection method: research. Allele origin: unknown. Affected: yes. Observed: 1 variant allele.
Comment: Criteria: PM2, PP3

Fulgent Genetics
Classification: Uncertain significance for Long QT syndrome 12. Last evaluated: 2021-11-16. Review status: criteria provided, single submitter. Criteria: ACMG Guidelines, 2015. Collection method: clinical testing. Allele origin: unknown.

GeneDx
Classification: Uncertain significance. Last evaluated: 2017-06-19. Review status: criteria provided, single submitter. Criteria: GeneDx Variant Classification (06012015). Collection method: clinical testing. Allele origin: germline. Affected: yes.
Comment: The R394C variant has not been published as pathogenic or been reported as benign to our knowledge. The R394C variant is not observed at a significant frequency in large population cohorts (Lek et al., 2016; 1000 Genomes Consortium et al., 2015; Exome Variant Server). The R394C variant is a non-conservative amino acid substitution, which is likely to impact secondary protein structure as these residues differ in polarity, charge, size and/or other properties. This substitution occurs at a position where only amino acids with similar properties to arginine are tolerated across species, and in silico analysis predicts this variant is probably damaging to the protein structure/function.

NM_003098.3(SNTA1):c.1180C>T (p.Arg394Cys)

Gene: SNTA1 (syntrophin alpha 1; minus strand). Cytogenetic location: 20q11.21.
Variant type: single nucleotide variant.
Coding change: c.1180C>T on transcript NM_003098.3 (MANE Select); coding-DNA position 1180, C replaced by T.
Protein change: p.Arg394Cys; replaces arginine 394 with cysteine.
Molecular consequence: missense variant.
Genome position (GRCh38, 1-based): chr20:33,410,192, G>A on the plus strand (C>T on the coding strand, the complement: SNTA1 is on the minus strand). VCF-style: chr20-33410192-G-A. GRCh37 (hg19) VCF-style: chr20-31997998-G-A.
Other names: short protein forms R394C.
Identifiers: ClinVar variation 432866 (VCV000432866.17), dbSNP rs567451585, ClinGen allele CA9817024.